The following is an entry in ClinVar:

ClinVar aggregate classification (germline): Likely benign. Review status: criteria provided, multiple submitters, no conflicts (2 of 4 stars). 2 submissions from 2 submitters: Likely benign (2). Last evaluated 2025-03-31.

Conditions:
ANXA11-related disorder. Also called: ANXA11-related condition.

gnomAD v4.1: 613 of 1,576,344 alleles (0.039%); highest among the groups gnomAD compares: Non-Finnish European, 0.05%; no homozygotes.

Submissions (2):

PreventionGenetics, part of Exact Sciences
Classification: Likely benign for ANXA11-related condition. Last evaluated: 2025-03-31. Review status: criteria provided, single submitter. Criteria: ACMG Guidelines, 2015. Collection method: clinical testing. Allele origin: germline.
Comment: This variant is classified as likely benign based on ACMG/AMP sequence variant interpretation guidelines (Richards et al. 2015 PMID: 25741868, with internal and published modifications).

Blueprint Genetics
Classification: Likely benign. Last evaluated: 2023-10-24. Review status: criteria provided, single submitter. Criteria: ACMG Guidelines, 2015. Collection method: clinical testing. Allele origin: germline.

NM_145868.2(ANXA11):c.1011C>A (p.Leu337=)

Gene: ANXA11 (annexin A11; minus strand). Cytogenetic location: 10q22.3.
Variant type: single nucleotide variant.
Coding change: c.1011C>A on transcript NM_145868.2 (MANE Select); coding-DNA position 1011, C replaced by A.
Protein change: p.Leu337=; no amino-acid change (leucine 337 retained).
Molecular consequence: synonymous variant.
Genome position (GRCh38, 1-based): chr10:80,163,552, G>T on the plus strand (C>A on the coding strand, the complement: ANXA11 is on the minus strand). VCF-style: chr10-80163552-G-T. GRCh37 (hg19) VCF-style: chr10-81923308-G-T.
Other names: c.1011C>A (NM_145869.1); c.1011C>A, p.Leu337= (NM_001157.3, NM_001278407.2, NM_001278408.2 and 1 more transcripts); c.912C>A, p.Leu304= (NM_001278409.2).
Identifiers: ClinVar variation 4908303 (VCV004908303.2).